The following is an entry in ClinVar:

NM_001164508.2(NEB):c.9351G>T (p.Trp3117Cys)

Gene: NEB (nebulin; minus strand). Cytogenetic location: 2q23.3.
Variant type: single nucleotide variant.
Coding change: c.9351G>T on transcript NM_001164508.2 (MANE Select); coding-DNA position 9351, G replaced by T.
Protein change: p.Trp3117Cys; replaces tryptophan 3117 with cysteine.
Molecular consequence: missense variant. On other transcripts: intron variant (1).
Genome position (GRCh38, 1-based): chr2:151,633,717, C>A on the plus strand (G>T on the coding strand, the complement: NEB is on the minus strand). VCF-style: chr2-151633717-C-A. GRCh37 (hg19) VCF-style: chr2-152490231-C-A.
Other names: c.9351G>T, p.Trp3117Cys (NM_001164507.2, NM_001271208.2); c.8854-2539G>T (NM_004543.5); short protein forms W3117C.
Identifiers: ClinVar variation 2193497 (VCV002193497.1), dbSNP rs750186471, ClinGen allele CA1909355.
Genomic context (GRCh38, chr2:151,633,717, plus strand): 5'-ACTCTGGAGGTCATAGGCCTGCCGAGCATGGATGACATCGCTCTGGTCAGGCAGGCATGT[C>A]CACTCGTGCAGGTAGTTCTTATAGTCCACGTCACTGACTAAGGTCTGGCACTTCTTGGCC-3'
Protein context (NP_001157980.2, residues 3107-3127): DVDYKNYLHE[Trp3117Cys]TCLPDQSDVI

ClinVar aggregate classification (germline): Uncertain significance (1 of 4 stars; one submission).

Conditions:
Nemaline myopathy 2 (NEM2). Also called: Nemaline myopathy 2, autosomal recessive. Identifiers: MedGen C1850569, MONDO:0009725, OMIM 256030.

Allele frequency attached by ClinVar (database versions not stated): gnomAD exomes 0.00001; ExAC 0.00002; TOPMed 0.00002.
gnomAD v4.1: 3 of 1,613,970 alleles (0.00019%); highest among the groups gnomAD compares: Admixed American, 0.005%; no homozygotes.

Submission:

Labcorp Genetics (formerly Invitae), Labcorp
Classification: Uncertain significance for Nemaline myopathy 2. Last evaluated: 2022-07-23. Review status: criteria provided, single submitter. Criteria: Invitae Variant Classification Sherloc (09022015). Collection method: clinical testing. Allele origin: germline.
Comment: This sequence change replaces tryptophan, which is neutral and slightly polar, with cysteine, which is neutral and slightly polar, at codon 3117 of the NEB protein (p.Trp3117Cys). This variant is present in population databases (rs750186471, gnomAD 0.006%). This variant has not been reported in the literature in individuals affected with NEB-related conditions. Algorithms developed to predict the effect of missense changes on protein structure and function are either unavailable or do not agree on the potential impact of this missense change (SIFT: "Deleterious"; PolyPhen-2: "Not Available"; Align-GVGD: "Class C0"). In summary, the available evidence is currently insufficient to determine the role of this variant in disease. Therefore, it has been classified as a Variant of Uncertain Significance.